The following is an entry in ClinVar:

NM_004239.4(TRIP11):c.2638G>A (p.Ala880Thr)

Gene: TRIP11 (thyroid hormone receptor interactor 11; minus strand). Cytogenetic location: 14q32.12.
Variant type: single nucleotide variant.
Coding change: c.2638G>A on transcript NM_004239.4 (MANE Select); coding-DNA position 2638, G replaced by A.
Protein change: p.Ala880Thr; replaces alanine 880 with threonine.
Molecular consequence: missense variant.
Genome position (GRCh38, 1-based): chr14:92,005,338, C>T on the plus strand (G>A on the coding strand, the complement: TRIP11 is on the minus strand). VCF-style: chr14-92005338-C-T. GRCh37 (hg19) VCF-style: chr14-92471682-C-T.
Other names: c.2635G>A, p.Ala879Thr (NM_001321851.1); c.2638G>A (NM_004239.3); short protein forms A880T, A879T.
Identifiers: ClinVar variation 2164984 (VCV002164984.2), dbSNP rs768995835, ClinGen allele CA7313745.

ClinVar aggregate classification (germline): Uncertain significance. Review status: criteria provided, multiple submitters, no conflicts (2 of 4 stars). 2 submissions from 2 submitters: Uncertain significance (2). Last evaluated 2025-08-08.

Conditions:
Inborn genetic diseases. Identifiers: MedGen C0950123, MeSH D030342.
Achondrogenesis, type IA (ACG1A). Identifiers: Orphanet 932, Orphanet 93299, MedGen C0265273, MONDO:0008701, OMIM 200600.

Allele frequency attached by ClinVar (database versions not stated): ExAC 0.00001; gnomAD 0.00001; gnomAD exomes 0.00001; TOPMed 0.00003.
gnomAD v4.1: 19 of 1,614,022 alleles (0.0012%); highest among the groups gnomAD compares: East Asian, 0.013%; no homozygotes.

Submissions (2):

Ambry Genetics
Classification: Uncertain significance for Inborn genetic diseases. Last evaluated: 2025-08-08. Review status: criteria provided, single submitter. Criteria: Ambry Variant Classification Scheme 2023. Collection method: clinical testing. Allele origin: germline.

Labcorp Genetics (formerly Invitae), Labcorp
Classification: Uncertain significance for Achondrogenesis, type IA. Last evaluated: 2022-01-04. Review status: criteria provided, single submitter. Criteria: Invitae Variant Classification Sherloc (09022015). Collection method: clinical testing. Allele origin: germline.
Comment: This sequence change replaces alanine, which is neutral and non-polar, with threonine, which is neutral and polar, at codon 880 of the TRIP11 protein (p.Ala880Thr). The frequency data for this variant in the population databases is considered unreliable, as metrics indicate poor data quality at this position in the gnomAD database. This variant has not been reported in the literature in individuals affected with TRIP11-related conditions. Algorithms developed to predict the effect of missense changes on protein structure and function output the following: SIFT: "Not Available"; PolyPhen-2: "Benign"; Align-GVGD: "Not Available". The threonine amino acid residue is found in multiple mammalian species, which suggests that this missense change does not adversely affect protein function. In summary, the available evidence is currently insufficient to determine the role of this variant in disease. Therefore, it has been classified as a Variant of Uncertain Significance.